The following is an entry in ClinVar:

NM_000245.4(MET):c.3390C>T (p.Ile1130=)

Gene: MET (MET proto-oncogene, receptor tyrosine kinase; plus strand). Cytogenetic location: 7q31.2.
Variant type: single nucleotide variant.
Coding change: c.3390C>T on transcript NM_000245.4 (MANE Select); coding-DNA position 3390, C replaced by T.
Protein change: p.Ile1130=; no amino-acid change (isoleucine 1130 retained).
Molecular consequence: synonymous variant.
Genome position (GRCh38, 1-based): chr7:116,778,825, C>T. VCF-style: chr7-116778825-C-T. GRCh37 (hg19) VCF-style: chr7-116418879-C-T.
Other names: c.3444C>T, p.Ile1148= (NM_001127500.3); c.2100C>T, p.Ile700= (NM_001324402.2).
Identifiers: ClinVar variation 4843773 (VCV004843773.1).

ClinVar aggregate classification (germline): Uncertain significance (1 of 4 stars; one submission).

Conditions:
Hereditary cancer-predisposing syndrome. Also called: Neoplastic Syndromes, Hereditary; Tumor predisposition; Hereditary Cancer Syndrome; Hereditary neoplastic syndrome. Identifiers: Orphanet 140162, MedGen C0027672, MeSH D009386, MONDO:0015356.

gnomAD v4.1: 1 of 1,614,072 alleles (0.000062%); highest among the groups gnomAD compares: Non-Finnish European, 0.000085%; no homozygotes.

Submission:

Ambry Genetics
Classification: Uncertain significance for Hereditary cancer-predisposing syndrome. Last evaluated: 2026-01-13. Review status: criteria provided, single submitter. Criteria: Ambry Variant Classification Scheme 2023. Collection method: clinical testing. Allele origin: germline.
Comment: The c.3444C>T variant (also known as p.I1148I), located in coding exon 16 of the MET gene, results from a C to T substitution at nucleotide position 3444. This nucleotide substitution does not change the amino acid at codon 1148. This nucleotide position is well conserved in available vertebrate species. In silico splice site analysis for this alteration is inconclusive. Based on the available evidence, the clinical significance of this variant remains unclear.